The following is an entry in ClinVar:

ClinVar aggregate classification (germline): Uncertain significance. Review status: criteria provided, multiple submitters, no conflicts (2 of 4 stars). 2 submissions from 2 submitters: Uncertain significance (2). Last evaluated 2024-05-19.

Conditions:
Hereditary cancer-predisposing syndrome. Also called: Neoplastic Syndromes, Hereditary; Hereditary Cancer Syndrome; Tumor predisposition; Hereditary neoplastic syndrome. Identifiers: Orphanet 140162, MedGen C0027672, MeSH D009386, MONDO:0015356.
Familial adenomatous polyposis 1 (FAP1). Also called: FAMILIAL ADENOMATOUS POLYPOSIS 1, ATTENUATED; POLYPOSIS, ADENOMATOUS INTESTINAL. Identifiers: MedGen C2713442, MONDO:0021056, OMIM 175100. Disease mechanism: loss of function.

Allele frequency attached by ClinVar (database versions not stated): gnomAD exomes below 0.00001.
gnomAD v4.1: 1 of 1,614,136 alleles (0.000062%); highest among the groups gnomAD compares: Non-Finnish European, 0.000085%; no homozygotes.

Submissions (2):

Labcorp Genetics (formerly Invitae), Labcorp
Classification: Uncertain significance for Familial adenomatous polyposis 1. Last evaluated: 2024-05-19. Review status: criteria provided, single submitter. Criteria: Invitae Variant Classification Sherloc (09022015). Collection method: clinical testing. Allele origin: germline.
Comment: This sequence change replaces glycine, which is neutral and non-polar, with aspartic acid, which is acidic and polar, at codon 861 of the APC protein (p.Gly861Asp). This variant is not present in population databases (gnomAD no frequency). This variant has not been reported in the literature in individuals affected with APC-related conditions. ClinVar contains an entry for this variant (Variation ID: 2447190). Advanced modeling of protein sequence and biophysical properties (such as structural, functional, and spatial information, amino acid conservation, physicochemical variation, residue mobility, and thermodynamic stability) performed at Invitae indicates that this missense variant is not expected to disrupt APC protein function with a negative predictive value of 95%. In summary, the available evidence is currently insufficient to determine the role of this variant in disease. Therefore, it has been classified as a Variant of Uncertain Significance.

Ambry Genetics
Classification: Uncertain significance for Hereditary cancer-predisposing syndrome. Last evaluated: 2022-12-07. Review status: criteria provided, single submitter. Criteria: Ambry Variant Classification Scheme 2023. Collection method: clinical testing. Allele origin: germline.
Comment: The p.G861D variant (also known as c.2582G>A), located in coding exon 15 of the APC gene, results from a G to A substitution at nucleotide position 2582. The glycine at codon 861 is replaced by aspartic acid, an amino acid with similar properties. This amino acid position is conserved. In addition, in silico predictors for this gene do not accurately predict pathogenicity. Since supporting evidence is limited at this time, the clinical significance of this alteration remains unclear.

NM_000038.6(APC):c.2582G>A (p.Gly861Asp)

Gene: APC (APC regulator of Wnt signaling pathway; plus strand). Cytogenetic location: 5q22.2.
Variant type: single nucleotide variant.
Coding change: c.2582G>A on transcript NM_000038.6 (MANE Select); coding-DNA position 2582, G replaced by A.
Protein change: p.Gly861Asp; replaces glycine 861 with aspartic acid.
Molecular consequence: missense variant. On other transcripts: non-coding transcript variant (2).
Genome position (GRCh38, 1-based): chr5:112,838,176, G>A. VCF-style: chr5-112838176-G-A. GRCh37 (hg19) VCF-style: chr5-112173873-G-A.
Other names: c.2333G>A, p.Gly778Asp (NM_001407455.1, NM_001407456.1, NM_001407457.1 and 1 more transcripts); c.2279G>A, p.Gly760Asp (NM_001407458.1, NM_001407459.1, NM_001407460.1 and 1 more transcripts); c.2195G>A, p.Gly732Asp (NM_001407467.1, NM_001407469.1); c.1733G>A, p.Gly578Asp (NM_001407470.1, NM_001354906.2); c.1430G>A, p.Gly477Asp (NM_001407471.1, NM_001407472.1); c.2582G>A, p.Gly861Asp (NM_001127510.3, NM_001354895.2, NM_001407450.1); c.2528G>A, p.Gly843Asp (NM_001127511.3); c.2636G>A, p.Gly879Asp (NM_001354896.2, NM_001407447.1, NM_001407448.1 and 1 more transcripts); and 11 more; short protein forms G701D, G802D, G833D, G836D, G851D, G854D, G735D, G861D.
Identifiers: ClinVar variation 2447190 (VCV002447190.5), dbSNP rs2149872953, ClinGen allele CA16026987.
Genomic context (GRCh38, chr5:112,838,176, plus strand): 5'-TAGATAGTTCTCGTTCTGAAAAAGATAGAAGTTTGGAGAGAGAACGCGGAATTGGTCTAG[G>A]CAACTACCATCCAGCAACAGAAAATCCAGGAACTTCTTCAAAGCGAGGTTTGCAGATCTC-3'
Protein context (NP_000029.2, residues 851-871): SLERERGIGL[Gly861Asp]NYHPATENPG